The following is an entry in ClinVar:

NM_198123.2(CSMD3):c.5718A>G (p.Pro1906=)

Gene: CSMD3 (CUB and Sushi multiple domains 3; minus strand). Cytogenetic location: 8q23.3.
Variant type: single nucleotide variant.
Coding change: c.5718A>G on transcript NM_198123.2 (MANE Select); coding-DNA position 5718, A replaced by G.
Protein change: p.Pro1906=; no amino-acid change (proline 1906 retained).
Molecular consequence: synonymous variant.
Genome position (GRCh38, 1-based): chr8:112,406,615, T>C on the plus strand (A>G on the coding strand, the complement: CSMD3 is on the minus strand). VCF-style: chr8-112406615-T-C. GRCh37 (hg19) VCF-style: chr8-113418844-T-C.
Other names: c.5118A>G, p.Pro1706= (NM_001363185.1); c.5406A>G, p.Pro1802= (NM_052900.3); c.5598A>G, p.Pro1866= (NM_198124.2).
Identifiers: ClinVar variation 3048103 (VCV003048103.2), dbSNP rs148370497, ClinGen allele CA4849788.

ClinVar aggregate classification (germline): Likely benign (0 of 4 stars; one submission).

Conditions:
CSMD3-related disorder. Also called: CSMD3-related condition.

Allele frequency attached by ClinVar (database versions not stated): ExAC 0.00038; ESP Exome Variant Server 0.00138; 1000 Genomes Project 30x 0.00141; TOPMed 0.00151; 1000 Genomes Project 0.00160.
gnomAD v4.1: 358 of 1,612,942 alleles (0.022%); highest among the groups gnomAD compares: African/African-American, 0.45%; 1 homozygote.

Submission:

PreventionGenetics, part of Exact Sciences
Classification: Likely benign for CSMD3-related condition. Last evaluated: 2019-12-23. Review status: no assertion criteria provided. Collection method: clinical testing. Allele origin: germline.
Comment: This variant is classified as likely benign based on ACMG/AMP sequence variant interpretation guidelines (Richards et al. 2015 PMID: 25741868, with internal and published modifications).